The following is an entry in ClinVar:

NM_181458.4(PAX3):c.126C>A (p.Gly42=)

Gene: PAX3 (paired box 3; minus strand). Cytogenetic location: 2q36.1.
Variant type: single nucleotide variant.
Coding change: c.126C>A on transcript NM_181458.4 (MANE Select); coding-DNA position 126, C replaced by A.
Protein change: p.Gly42=; no amino-acid change (glycine 42 retained).
Molecular consequence: synonymous variant.
Genome position (GRCh38, 1-based): chr2:222,297,173, G>T on the plus strand (C>A on the coding strand, the complement: PAX3 is on the minus strand). VCF-style: chr2-222297173-G-T. GRCh37 (hg19) VCF-style: chr2-223161892-G-T.
Other names: c.126C>A, p.Gly42= (NM_000438.6, NM_001127366.3, NM_013942.5 and 4 more transcripts).
Identifiers: ClinVar variation 334561 (VCV000334561.44), dbSNP rs369680052, ClinGen allele CA2135798.
Genomic context (GRCh38, chr2:222,297,173, plus strand): 5'-CATCTCCACGATCTTGTGGCGGATGTGGTTGGGCAGCGGCCTGCCGTTGATAAAAACACC[G>T]CCGAGCTGGTTGACGCGGCCCTGGCCGAGGGGAGTGGACACTGTGGGAAGGTGAAAAAGA-3'
Protein context (NP_852123.1, residues 32-52): PLGQGRVNQL[Gly42=]GVFINGRPLP

ClinVar aggregate classification (germline): Benign/Likely benign. Review status: criteria provided, multiple submitters, no conflicts (2 of 4 stars). 8 submissions from 7 submitters: Benign (5); Likely benign (2). 1 of the submissions does not count toward it. Last evaluated 2026-08-01.

Conditions:
PAX3-related disorder. Also called: PAX3-related condition.
Waardenburg syndrome. Also called: Waardenburg's syndrome. Identifiers: Orphanet 3440, MedGen C3266898, MONDO:0018094.
Craniofacial-deafness-hand syndrome (CDHS). Identifiers: Orphanet 1529, MedGen C1852510, MONDO:0007395, OMIM 122880.

Allele frequency attached by ClinVar (database versions not stated): gnomAD 0.00026 and 0.00056; ESP Exome Variant Server 0.00031; TOPMed 0.00045; gnomAD exomes 0.00101; ExAC 0.00185; 1000 Genomes Project 30x 0.00219; 1000 Genomes Project 0.00220.
gnomAD v4.1: 1,049 of 1,598,042 alleles (0.066%); highest among the groups gnomAD compares: South Asian, 0.62%; 11 homozygotes.

Submissions (8):

CeGaT Center for Human Genetics Tuebingen
Classification: Likely benign. Last evaluated: 2026-08-01. Review status: criteria provided, single submitter. Criteria: CeGaT Center For Human Genetics Tuebingen Variant Classification Criteria Version 2. Collection method: clinical testing. Allele origin: germline. Affected: yes. Observed: 3 variant alleles.
Comment: PAX3: BP4, BP7

Labcorp Genetics (formerly Invitae), Labcorp
Classification: Benign. Last evaluated: 2026-01-20. Review status: criteria provided, single submitter. Criteria: Invitae Variant Classification Sherloc (09022015). Collection method: clinical testing. Allele origin: germline.

Blueprint Genetics
Classification: Likely benign. Last evaluated: 2024-11-13. Review status: criteria provided, single submitter. Criteria: ACMG Guidelines, 2015. Collection method: clinical testing. Allele origin: germline.

GeneDx
Classification: Benign. Last evaluated: 2018-12-21. Review status: criteria provided, single submitter. Criteria: GeneDx Variant Classification Process June 2021. Collection method: clinical testing. Allele origin: germline. Affected: yes.

Illumina Laboratory Services, Illumina
Classification: Benign for Craniofacial-deafness-hand syndrome. Last evaluated: 2018-01-13. Review status: criteria provided, single submitter. Criteria: ICSL Variant Classification Criteria 13 December 2019. Collection method: clinical testing. Allele origin: germline.
Comment: This variant was observed in the ICSL laboratory as part of a predisposition screen in an ostensibly healthy population. It had not been previously curated by ICSL or reported in the Human Gene Mutation Database (HGMD: prior to June 1st, 2018), and was therefore a candidate for classification through an automated scoring system. Utilizing variant allele frequency, disease prevalence and penetrance estimates, and inheritance mode, an automated score was calculated to assess if this variant is too frequent to cause the disease. Based on the score and internal cut-off values, a variant classified as benign is not then subjected to further curation. The score for this variant resulted in a classification of benign for this disease.

Illumina Laboratory Services, Illumina
Classification: Benign for Waardenburg syndrome. Last evaluated: 2018-01-13. Review status: criteria provided, single submitter. Criteria: ICSL Variant Classification Criteria 13 December 2019. Collection method: clinical testing. Allele origin: germline.
Comment: the same text as in the submission from Illumina Laboratory Services, Illumina above.

Laboratory for Molecular Medicine, Mass General Brigham Personalized Medicine
Classification: Benign. Last evaluated: 2017-12-14. Review status: criteria provided, single submitter. Criteria: LMM Criteria. Collection method: clinical testing. Allele origin: germline. Observed: 2 variant alleles.
Comment: p.Gly42Gly in exon 2 of PAX3: This variant is not expected to have clinical sign ificance because it does not alter an amino acid residue and is not located with in the splice consensus sequence. It has been identified in 0.56% (158/27968) of South Asian chromosomes including 2 homozygotes by the Genome Aggregation Datab ase (gnomAD; dbSNP rs369680052).

PreventionGenetics, part of Exact Sciences
Classification: Likely benign for PAX3-related condition. Last evaluated: 2019-09-26. Review status: no assertion criteria provided. Collection method: clinical testing. Allele origin: germline. Not counted in ClinVar's aggregate classification.
Comment: This variant is classified as likely benign based on ACMG/AMP sequence variant interpretation guidelines (Richards et al. 2015 PMID: 25741868, with internal and published modifications).